The following is an entry in ClinVar:

ClinVar aggregate classification (germline): Uncertain significance (1 of 4 stars; one submission).

Conditions:
Neurodegeneration with brain iron accumulation 6 (NBIA6). Also called: COASY protein-associated neurodegeneration. Identifiers: Orphanet 397725, MedGen C4517377, MONDO:0014290, OMIM 615643.

Allele frequency attached by ClinVar (database versions not stated): TOPMed below 0.00001.

Submission:

Labcorp Genetics (formerly Invitae), Labcorp
Classification: Uncertain significance for Neurodegeneration with brain iron accumulation 6. Last evaluated: 2022-05-25. Review status: criteria provided, single submitter. Criteria: Invitae Variant Classification Sherloc (09022015). Collection method: clinical testing. Allele origin: germline.
Comment: In summary, the available evidence is currently insufficient to determine the role of this variant in disease. Therefore, it has been classified as a Variant of Uncertain Significance. Algorithms developed to predict the effect of missense changes on protein structure and function (SIFT, PolyPhen-2, Align-GVGD) all suggest that this variant is likely to be tolerated. This variant has not been reported in the literature in individuals affected with COASY-related conditions. This variant is not present in population databases (gnomAD no frequency). This sequence change replaces glutamic acid, which is acidic and polar, with glutamine, which is neutral and polar, at codon 353 of the COASY protein (p.Glu353Gln).

NM_025233.7(COASY):c.1057G>C (p.Glu353Gln)

Gene: COASY (Coenzyme A synthase; plus strand). Cytogenetic location: 17q21.2.
Variant type: single nucleotide variant.
Coding change: c.1057G>C on transcript NM_025233.7 (MANE Select); coding-DNA position 1057, G replaced by C.
Protein change: p.Glu353Gln; replaces glutamic acid 353 with glutamine.
Molecular consequence: missense variant.
Genome position (GRCh38, 1-based): chr17:42,564,718, G>C. VCF-style: chr17-42564718-G-C. GRCh37 (hg19) VCF-style: chr17-40716736-G-C.
Other names: c.1057G>C, p.Glu353Gln (NM_001042529.3); c.1144G>C, p.Glu382Gln (NM_001042532.4); short protein forms E353Q, E382Q.
Identifiers: ClinVar variation 2066813 (VCV002066813.4), dbSNP rs1479221585, ClinGen allele CA399596950.